The following is an entry in ClinVar:

NM_014112.5(TRPS1):c.2726G>A (p.Cys909Tyr)

Gene: TRPS1 (transcriptional repressor GATA binding 1; minus strand). Cytogenetic location: 8q23.3.
Variant type: single nucleotide variant.
Coding change: c.2726G>A on transcript NM_014112.5 (MANE Select); coding-DNA position 2726, G replaced by A.
Protein change: p.Cys909Tyr; replaces cysteine 909 with tyrosine.
Molecular consequence: missense variant.
Genome position (GRCh38, 1-based): chr8:115,418,427, C>T on the plus strand (G>A on the coding strand, the complement: TRPS1 is on the minus strand). VCF-style: chr8-115418427-C-T. GRCh37 (hg19) VCF-style: chr8-116430655-C-T.
Other names: c.2699G>A, p.Cys900Tyr (NM_001282902.3); c.2705G>A, p.Cys902Tyr (NM_001282903.3); c.2687G>A, p.Cys896Tyr (NM_001330599.2); short protein forms C896Y, C900Y, C902Y, C909Y.
Identifiers: ClinVar variation 1699124 (VCV001699124.2), dbSNP rs2129769241, ClinGen allele CA372064382.
Genomic context (GRCh38, chr8:115,418,427, plus strand): 5'-ACATATCCGCCATTTGCATTCTTTCGCCAGAGAGAGGTCTTTGTGGTCAGGCAATTGGCA[C>T]AAAAAACACCGGAGCCTCTACGCCTCTGAAACAGGGGAAAAAAACCAAGGTCAGAGGTGA-3'
Protein context (NP_054831.2, residues 899-919): LRRRRGSGVF[Cys909Tyr]ANCLTTKTSL

ClinVar aggregate classification (germline): Pathogenic (1 of 4 stars; one submission).

Conditions:
Trichorhinophalangeal syndrome type 1 and 3. Identifiers: MedGen C5231006.

Submission:

Victorian Clinical Genetics Services, Murdoch Childrens Research Institute
Classification: Pathogenic for Trichorhinophalangeal syndrome type 1 and 3. Last evaluated: 2021-05-06. Review status: criteria provided, single submitter. Criteria: ACMG Guidelines, 2015. Collection method: clinical testing. Allele origin: germline. Inheritance: Autosomal dominant inheritance. Affected: yes.
Comment: Based on the classification scheme VCGS_Germline_v1.3.3, this variant is classified as Pathogenic. Following criteria are met: 0102 - Loss of function is a known mechanism of disease in this gene and is associated with trichorhinophalangeal syndrome. (I) 0107 - This gene is associated with autosomal dominant disease. (I) 0200 - Variant is predicted to result in a missense amino acid change from cysteine to tyrosine. (I) 0251 - This variant is heterozygous. (I) 0301 - Variant is absent from gnomAD (both v2 and v3). (SP) 0501 - Missense variant consistently predicted to be damaging by multiple in silico tools or highly conserved with a major amino acid change. (SP) 0602 - Variant is located in a hotspot region or cluster of pathogenic variants. Variant is located in the zinc binding site of the GATA zinc finger domain, which is correlated with type III trichorhinophalangeal syndrome (NCBI, PDB, PMID: 25333908). (SP) 0704 - Another missense variant comparable to the one identified in this case has limited previous evidence for pathogenicity. A different variant in the same codon resulting in a change to a serine has been reported in a de novo patient with trichorhinophalangeal syndrome (PMID: 29095814). (SP) 0803 - This variant has limited previous evidence of pathogenicity in two individuals from the same family with trichorhinophalangeal syndrome (PMID: 25333908). (SP) 1007 - No published functional evidence has been identified for this variant. (SP) Legend: (SP) - Supporting pathogenic, (I) - Information, (SB) - Supporting benign

Literature cited by the submitters: PubMed 25333908; PubMed 29095814.